The following is an entry in ClinVar:

NM_001004356.3(FGFRL1):c.517G>A (p.Val173Met)

Gene: FGFRL1 (fibroblast growth factor receptor like 1; plus strand). Cytogenetic location: 4p16.3.
Variant type: single nucleotide variant.
Coding change: c.517G>A on transcript NM_001004356.3 (MANE Select); coding-DNA position 517, G replaced by A.
Protein change: p.Val173Met; replaces valine 173 with methionine.
Molecular consequence: missense variant.
Genome position (GRCh38, 1-based): chr4:1,023,900, G>A. VCF-style: chr4-1023900-G-A. GRCh37 (hg19) VCF-style: chr4-1017688-G-A.
Other names: c.517G>A, p.Val173Met (NM_001004358.1, NM_001370296.1, NM_021923.3); short protein forms V173M.
Identifiers: ClinVar variation 2593329 (VCV002593329.5), dbSNP rs377175884, ClinGen allele CA2802754.

ClinVar aggregate classification (germline): Uncertain significance. Review status: criteria provided, multiple submitters, no conflicts (2 of 4 stars). 2 submissions from 2 submitters: Uncertain significance (2). Last evaluated 2026-01-11.

Allele frequency attached by ClinVar (database versions not stated): ExAC 0.00005; gnomAD 0.00007; TOPMed 0.00003; ESP Exome Variant Server 0.00008.
gnomAD v4.1: 91 of 1,578,902 alleles (0.0058%); highest among the groups gnomAD compares: Middle Eastern, 0.066%; 1 homozygote.

Submissions (2):

Labcorp Genetics (formerly Invitae), Labcorp
Classification: Uncertain significance. Last evaluated: 2026-01-11. Review status: criteria provided, single submitter. Criteria: Invitae Variant Classification Sherloc (09022015). Collection method: clinical testing. Allele origin: germline.
Comment: This sequence change replaces valine, which is neutral and non-polar, with methionine, which is neutral and non-polar, at codon 173 of the FGFRL1 protein (p.Val173Met). This variant is present in population databases (rs377175884, gnomAD 0.01%). This variant has not been reported in the literature in individuals affected with FGFRL1-related conditions. ClinVar contains an entry for this variant (Variation ID: 2593329). An algorithm developed to predict the effect of missense changes on protein structure and function (PolyPhen-2) suggests that this variant is likely to be tolerated. In summary, the available evidence is currently insufficient to determine the role of this variant in disease. Therefore, it has been classified as a Variant of Uncertain Significance.

Ambry Genetics
Classification: Uncertain significance. Last evaluated: 2023-09-13. Review status: criteria provided, single submitter. Criteria: Ambry Variant Classification Scheme 2023. Collection method: clinical testing. Allele origin: germline.